The following is an entry in ClinVar:

NM_001853.4(COL9A3):c.1112A>G (p.Asp371Gly)

Gene: COL9A3 (collagen type IX alpha 3 chain; plus strand). Cytogenetic location: 20q13.33.
Variant type: single nucleotide variant.
Coding change: c.1112A>G on transcript NM_001853.4 (MANE Select); coding-DNA position 1112, A replaced by G.
Protein change: p.Asp371Gly; replaces aspartic acid 371 with glycine.
Molecular consequence: missense variant.
Genome position (GRCh38, 1-based): chr20:62,829,770, A>G. VCF-style: chr20-62829770-A-G. GRCh37 (hg19) VCF-style: chr20-61461122-A-G.
Other names: short protein forms D371G.
Identifiers: ClinVar variation 3637720 (VCV003637720.2).

ClinVar aggregate classification (germline): Uncertain significance (1 of 4 stars; one submission).

Submission:

Labcorp Genetics (formerly Invitae), Labcorp
Classification: Uncertain significance. Last evaluated: 2024-11-15. Review status: criteria provided, single submitter. Criteria: Invitae Variant Classification Sherloc (09022015). Collection method: clinical testing. Allele origin: germline.
Comment: This sequence change replaces aspartic acid, which is acidic and polar, with glycine, which is neutral and non-polar, at codon 371 of the COL9A3 protein (p.Asp371Gly). This variant is not present in population databases (gnomAD no frequency). This variant has not been reported in the literature in individuals affected with COL9A3-related conditions. Invitae Evidence Modeling of protein sequence and biophysical properties (such as structural, functional, and spatial information, amino acid conservation, physicochemical variation, residue mobility, and thermodynamic stability) indicates that this missense variant is not expected to disrupt COL9A3 protein function with a negative predictive value of 95%. In summary, the available evidence is currently insufficient to determine the role of this variant in disease. Therefore, it has been classified as a Variant of Uncertain Significance.